The following is an entry in ClinVar:

ClinVar aggregate classification (germline): Uncertain significance (1 of 4 stars; one submission).

Submission:

GeneDx
Classification: Uncertain significance. Last evaluated: 2025-03-23. Review status: criteria provided, single submitter. Criteria: GeneDx Variant Classification Process June 2021. Collection method: clinical testing. Allele origin: germline. Affected: yes.
Comment: Not observed at significant frequency in large population cohorts (gnomAD); In silico analysis supports that this missense variant has a deleterious effect on protein structure/function; Has not been previously published as pathogenic or benign to our knowledge

NM_006517.5(SLC16A2):c.638T>C (p.Phe213Ser)

Gene: SLC16A2 (solute carrier family 16 member 2; plus strand). Cytogenetic location: Xq13.2.
Variant type: single nucleotide variant.
Coding change: c.638T>C on transcript NM_006517.5 (MANE Select); coding-DNA position 638, T replaced by C.
Protein change: p.Phe213Ser; replaces phenylalanine 213 with serine.
Molecular consequence: missense variant.
Genome position (GRCh38, 1-based): chrX:74,524,421, T>C. VCF-style: chrX-74524421-T-C. GRCh37 (hg19) VCF-style: chrX-73744256-T-C.
Other names: short protein forms F213S.
Identifiers: ClinVar variation 4087867 (VCV004087867.1).